The following is an entry in ClinVar:

NM_001012614.2(CTBP1):c.996C>G (p.Ile332Met)

Genes: CTBP1 (C-terminal binding protein 1; minus strand), CTBP1-AS (CTBP1 antisense RNA; plus strand). Cytogenetic location: 4p16.3.
Variant type: single nucleotide variant.
Coding change: c.996C>G on transcript NM_001012614.2 (MANE Select); coding-DNA position 996, C replaced by G.
Protein change: p.Ile332Met; replaces isoleucine 332 with methionine.
Molecular consequence: missense variant.
Genome position (GRCh38, 1-based): chr4:1,213,023, G>C on the plus strand (C>G on the coding strand, the complement: CTBP1 is on the minus strand). VCF-style: chr4-1213023-G-C. GRCh37 (hg19) VCF-style: chr4-1206811-G-C.
Other names: c.1029C>G, p.Ile343Met (NM_001328.3, NM_001377186.1); c.996C>G, p.Ile332Met (NM_001377187.1, NM_001377188.1, NM_001377189.1 and 4 more transcripts); short protein forms I332M, I343M.
Identifiers: ClinVar variation 3391759 (VCV003391759.1).

ClinVar aggregate classification (germline): Uncertain significance (1 of 4 stars; one submission).

Submission:

GeneDx
Classification: Uncertain significance. Last evaluated: 2024-06-18. Review status: criteria provided, single submitter. Criteria: GeneDx Variant Classification Process June 2021. Collection method: clinical testing. Allele origin: germline. Affected: yes.
Comment: Not observed at significant frequency in large population cohorts (gnomAD); In silico analysis indicates that this missense variant does not alter protein structure/function; Has not been previously published as pathogenic or benign to our knowledge